The following is an entry in ClinVar:

NM_004279.3(PMPCB):c.1164_1165del (p.Cys389fs)

Gene: PMPCB (peptidase, mitochondrial processing subunit beta; plus strand). Cytogenetic location: 7q22.1.
Variant type: Microsatellite.
Coding change: c.1164_1165del on transcript NM_004279.3 (MANE Select); coding-DNA positions 1164 to 1165, 2 bases deleted (CT; older notation c.1164_1165delCT).
Protein change: p.Cys389fs; shifts the reading frame from cysteine 389.
Molecular consequence: frameshift variant.
Genome position (GRCh38, 1-based): chr7:103,311,652-103,311,653, CT deleted; deleting any 2 consecutive bases within chr7:103,311,650-103,311,653 gives the same sequence; the c. name uses the placement nearest the transcript's 3' end. VCF-style (leftmost placement, unchanged base first): chr7-103311649-ACT-A. GRCh37 (hg19) VCF-style: chr7-102952096-ACT-A.
Other names: short protein forms C389fs.
Identifiers: ClinVar variation 3391358 (VCV003391358.1).

ClinVar aggregate classification (germline): Uncertain significance (1 of 4 stars; one submission).

Conditions:
Multiple mitochondrial dysfunctions syndrome 6. Identifiers: Orphanet 569290, MedGen C4693741, MONDO:0054785, OMIM 617954.

Submission:

Neuberg Centre For Genomic Medicine, NCGM
Classification: Uncertain significance for Multiple mitochondrial dysfunctions syndrome 6. Review status: criteria provided, single submitter. Criteria: ACMG Guidelines, 2015. Collection method: clinical testing. Allele origin: germline. Inheritance: Autosomal dominant inheritance. Affected: yes.
Comment: The frameshift variant c.1164_1165del p.Cys389TyrfsTer7 in the PMPCB gene has not been reported previously as a pathogenic variant nor as a benign variant, to our knowledge. The variant is absent in the gnomAD Exomes. This variant causes a frameshift starting with codon Cysteine 389, changes this amino acid to Tyrosine residue, and creates a premature Stop codon at position 7 of the new reading frame. This variant is predicted to cause loss of normal protein function through protein truncation. Loss of function variants have not been previously reported to be disease-causing. For these reasons, this variant has been classified as Uncertain Significance. In the absence of another reportable variant, the molecular diagnosis is not confirmed.